The following is an entry in ClinVar:

ClinVar aggregate classification (germline): Uncertain significance (1 of 4 stars; one submission).

Conditions:
Congenital portosystemic shunt. Identifiers: Orphanet 480531, MedGen C1290495, MONDO:0018811.

gnomAD v4.1: 9 of 1,613,818 alleles (0.00056%); highest among the groups gnomAD compares: East Asian, 0.0067%; no homozygotes.

Submission:

Department of Pediatrics, Graduate School of Medical Sciences, Kyushu University
Classification: Uncertain significance for Congenital portosystemic shunt. Last evaluated: 2026-02-27. Review status: criteria provided, single submitter. Criteria: ACMG Guidelines, 2015. Collection method: research. Allele origin: germline. Affected: yes.
Comment: Both variants are rare or absent in population databases such as gnomAD, and in silico prediction tools including CADD suggest potential deleterious effects. However, the relationship between this gene and CPSS has not been established. Therefore, the clinical significance of this variant is currently classified as a variant of uncertain significance (VUS).

NM_001084.5(PLOD3):c.971C>T (p.Pro324Leu)

Gene: PLOD3 (procollagen-lysine,2-oxoglutarate 5-dioxygenase 3; minus strand). Cytogenetic location: 7q22.1.
Variant type: single nucleotide variant.
Coding change: c.971C>T on transcript NM_001084.5 (MANE Select); coding-DNA position 971, C replaced by T.
Protein change: p.Pro324Leu; replaces proline 324 with leucine.
Molecular consequence: missense variant.
Genome position (GRCh38, 1-based): chr7:101,212,564, G>A on the plus strand (C>T on the coding strand, the complement: PLOD3 is on the minus strand). VCF-style: chr7-101212564-G-A. GRCh37 (hg19) VCF-style: chr7-100855845-G-A.
Other names: short protein forms P324L.
Identifiers: ClinVar variation 4813100 (VCV004813100.1).
Genomic context (GRCh38, chr7:101,212,564, plus strand): 5'-GAGAGGCTCCAACAGGGGAGTCTCACGTTGTTGTGCAGGAAAAGGGTGACCCTGTCGGGG[G>A]GATAGTCCAGGAGTAGCAGCCGCTGCAGGAAGCGGGGCAGAAACGGAGTAGGCTGTTCCA-3'
Protein context (NP_001075.1, residues 314-334): FLQRLLLLDY[Pro324Leu]PDRVTLFLHN